The following is an entry in ClinVar:

NM_205836.3(FBXO38):c.62T>C (p.Met21Thr)

Gene: FBXO38 (F-box protein 38; plus strand). Cytogenetic location: 5q32.
Variant type: single nucleotide variant.
Coding change: c.62T>C on transcript NM_205836.3 (MANE Select); coding-DNA position 62, T replaced by C.
Protein change: p.Met21Thr; replaces methionine 21 with threonine.
Molecular consequence: missense variant.
Genome position (GRCh38, 1-based): chr5:148,394,838, T>C. VCF-style: chr5-148394838-T-C. GRCh37 (hg19) VCF-style: chr5-147774401-T-C.
Other names: c.62T>C, p.Met21Thr (NM_001271723.2, NM_030793.5); short protein forms M21T.
Identifiers: ClinVar variation 2708291 (VCV002708291.3), dbSNP rs2531682074, ClinGen allele CA361653667.

ClinVar aggregate classification (germline): Uncertain significance (1 of 4 stars; one submission).

Conditions:
Distal hereditary motor neuropathy type 2. Identifiers: Orphanet 139525, MedGen C3711384, MeSH C580044, MONDO:0015352.

Allele frequency attached by ClinVar (database versions not stated): gnomAD exomes below 0.00001.
gnomAD v4.1: 4 of 1,603,618 alleles (0.00025%); highest among the groups gnomAD compares: Non-Finnish European, 0.00026%; no homozygotes.

Submission:

Labcorp Genetics (formerly Invitae), Labcorp
Classification: Uncertain significance for Distal hereditary motor neuropathy type 2. Last evaluated: 2024-01-08. Review status: criteria provided, single submitter. Criteria: Invitae Variant Classification Sherloc (09022015). Collection method: clinical testing. Allele origin: germline.
Comment: This sequence change replaces methionine, which is neutral and non-polar, with threonine, which is neutral and polar, at codon 21 of the FBXO38 protein (p.Met21Thr). This variant is not present in population databases (gnomAD no frequency). This variant has not been reported in the literature in individuals affected with FBXO38-related conditions. Advanced modeling of protein sequence and biophysical properties (such as structural, functional, and spatial information, amino acid conservation, physicochemical variation, residue mobility, and thermodynamic stability) performed at Invitae indicates that this missense variant is not expected to disrupt FBXO38 protein function with a negative predictive value of 80%. In summary, the available evidence is currently insufficient to determine the role of this variant in disease. Therefore, it has been classified as a Variant of Uncertain Significance.